The following is an entry in ClinVar:

ClinVar aggregate classification (germline): Uncertain significance. Review status: criteria provided, multiple submitters, no conflicts (2 of 4 stars). 2 submissions from 2 submitters: Uncertain significance (2). Last evaluated 2025-08-18.

Allele frequency attached by ClinVar (database versions not stated): TOPMed 0.00001.

Submissions (2):

Labcorp Genetics (formerly Invitae), Labcorp
Classification: Uncertain significance. Last evaluated: 2025-08-18. Review status: criteria provided, single submitter. Criteria: Invitae Variant Classification Sherloc (09022015). Collection method: clinical testing. Allele origin: germline.
Comment: This sequence change replaces threonine, which is neutral and polar, with lysine, which is basic and polar, at codon 517 of the COL4A1 protein (p.Thr517Lys). This variant is not present in population databases (gnomAD no frequency). This variant has not been reported in the literature in individuals affected with COL4A1-related conditions. ClinVar contains an entry for this variant (Variation ID: 1520385). Invitae Evidence Modeling of protein sequence and biophysical properties (such as structural, functional, and spatial information, amino acid conservation, physicochemical variation, residue mobility, and thermodynamic stability) indicates that this missense variant is not expected to disrupt COL4A1 protein function with a negative predictive value of 95%. In summary, the available evidence is currently insufficient to determine the role of this variant in disease. Therefore, it has been classified as a Variant of Uncertain Significance.

Revvity Omics, Revvity
Classification: Uncertain significance. Last evaluated: 2022-12-04. Review status: criteria provided, single submitter. Criteria: ACMG Guidelines, 2015. Collection method: clinical testing. Allele origin: germline.

NM_001845.6(COL4A1):c.1550C>A (p.Thr517Lys)

Gene: COL4A1 (collagen type IV alpha 1 chain; minus strand). Cytogenetic location: 13q34.
Variant type: single nucleotide variant.
Coding change: c.1550C>A on transcript NM_001845.6 (MANE Select); coding-DNA position 1550, C replaced by A.
Protein change: p.Thr517Lys; replaces threonine 517 with lysine.
Molecular consequence: missense variant.
Genome position (GRCh38, 1-based): chr13:110,187,316, G>T on the plus strand (C>A on the coding strand, the complement: COL4A1 is on the minus strand). VCF-style: chr13-110187316-G-T. GRCh37 (hg19) VCF-style: chr13-110839663-G-T.
Other names: short protein forms T517K.
Identifiers: ClinVar variation 1520385 (VCV001520385.8), dbSNP rs1269728194, ClinGen allele CA388723214.
Genomic context (GRCh38, chr13:110,187,316, plus strand): 5'-AAGTCGAAATAAAACTCACCAGGCTCCCCCTTGGCTCCTGGCTGGCCTATCAGCCCTGGT[G>T]TACCTTGAGGGCCCTGTAAGAACAAAGCCTTGTGATCCACAGAAGAACCCATCCATGAAG-3'
Protein context (NP_001836.3, residues 507-527): GVAGVPGPQG[Thr517Lys]PGLIGQPGAK